The following is an entry in ClinVar:

NM_001183.6(ATP6AP1):c.1226G>C (p.Gly409Ala)

Gene: ATP6AP1 (ATPase H+ transporting accessory protein 1; plus strand). Cytogenetic location: Xq28.
Variant type: single nucleotide variant.
Coding change: c.1226G>C on transcript NM_001183.6 (MANE Select); coding-DNA position 1226, G replaced by C.
Protein change: p.Gly409Ala; replaces glycine 409 with alanine.
Molecular consequence: missense variant.
Genome position (GRCh38, 1-based): chrX:154,435,704, G>C. VCF-style: chrX-154435704-G-C. GRCh37 (hg19) VCF-style: chrX-153664050-G-C.
Other names: short protein forms G409A.
Identifiers: ClinVar variation 3616250 (VCV003616250.2).
Genomic context (GRCh38, chrX:154,435,704, plus strand): 5'-CAACGGTCCTTTCTGACCCGTGTCTGTGTGTCTGCCAGATCCAGGCTTTCAACGTAATGG[G>C]GGAGCAGTTCTCCTACGCCAGCGACTGTGCCAGCTTCTTCTCCCCCGGCATCTGGATGGG-3'
Protein context (NP_001174.2, residues 399-419): DFQIQAFNVM[Gly409Ala]EQFSYASDCA

ClinVar aggregate classification (germline): Uncertain significance (1 of 4 stars; one submission).

gnomAD v4.1: 1 of 1,211,849 alleles (0.000083%); highest among the groups gnomAD compares: Admixed American, 0.0022%; no homozygotes.

Submission:

Labcorp Genetics (formerly Invitae), Labcorp
Classification: Uncertain significance. Last evaluated: 2024-01-30. Review status: criteria provided, single submitter. Criteria: Invitae Variant Classification Sherloc (09022015). Collection method: clinical testing. Allele origin: germline.
Comment: This sequence change replaces glycine, which is neutral and non-polar, with alanine, which is neutral and non-polar, at codon 409 of the ATP6AP1 protein (p.Gly409Ala). This variant is not present in population databases (gnomAD no frequency). This variant has not been reported in the literature in individuals affected with ATP6AP1-related conditions. Advanced modeling of protein sequence and biophysical properties (such as structural, functional, and spatial information, amino acid conservation, physicochemical variation, residue mobility, and thermodynamic stability) performed at Invitae indicates that this missense variant is not expected to disrupt ATP6AP1 protein function with a negative predictive value of 80%. In summary, the available evidence is currently insufficient to determine the role of this variant in disease. Therefore, it has been classified as a Variant of Uncertain Significance.